The following is an entry in ClinVar:

ClinVar aggregate classification (germline): Conflicting classifications of pathogenicity. Review status: criteria provided, conflicting classifications (1 of 4 stars). 3 submissions from 3 submitters: Likely pathogenic (1); Uncertain significance (2). Last evaluated 2024-11-27.

Conditions:
JAG1-related disorder. Also called: JAG1-related condition; JAG1-related disorders.
Alagille syndrome due to a JAG1 point mutation. Also called: Alagille Syndrome 1; JAG1-Related Alagille Syndrome; HEPATIC DUCTULAR HYPOPLASIA, SYNDROMATIC. Identifiers: Orphanet 261619, Orphanet 52, MedGen C1956125, MONDO:0016862, OMIM 118450.

Submissions (3):

3billion
Classification: Uncertain significance for Alagille syndrome due to a JAG1 point mutation. Last evaluated: 2024-11-27. Review status: criteria provided, single submitter. Criteria: ACMG Guidelines, 2015. Collection method: clinical testing. Allele origin: germline. Affected: yes.
Comment: The variant is not observed in the gnomAD v4.1.0 dataset. Predicted Consequence/Location: Missense variant In silico tool predictions suggest damaging effect of the variant on gene or gene product [REVEL: 0.90 (>=0.6, sensitivity 0.68 and specificity 0.92)]. The variant has been reported as of uncertain significance (ClinVar ID: VCV001023815; PMID: 33910856; 3billion dataset). Therefore, this variant is classified as VUS according to the recommendation of ACMG/AMP guideline.

Blueprint Genetics
Classification: Likely pathogenic for JAG1-related disorders. Last evaluated: 2021-09-02. Review status: criteria provided, single submitter. Criteria: ACMG Guidelines, 2015. Collection method: clinical testing. Allele origin: germline. Affected: yes. Observed: 3 variant alleles.

Labcorp Genetics (formerly Invitae), Labcorp
Classification: Uncertain significance for Alagille syndrome due to a JAG1 point mutation. Last evaluated: 2021-02-16. Review status: criteria provided, single submitter. Criteria: Invitae Variant Classification Sherloc (09022015). Collection method: clinical testing. Allele origin: germline.
Comment: This variant has not been reported in the literature in individuals with JAG1-related conditions. This variant is not present in population databases (ExAC no frequency). This sequence change replaces tyrosine with cysteine at codon 192 of the JAG1 protein (p.Tyr192Cys). The tyrosine residue is highly conserved and there is a large physicochemical difference between tyrosine and cysteine. In summary, the available evidence is currently insufficient to determine the role of this variant in disease. Therefore, it has been classified as a Variant of Uncertain Significance. Advanced modeling of protein sequence and biophysical properties (such as structural, functional, and spatial information, amino acid conservation, physicochemical variation, residue mobility, and thermodynamic stability) performed at Invitae indicates that this missense variant is expected to disrupt JAG1 protein function.

NM_000214.3(JAG1):c.575A>G (p.Tyr192Cys)

Gene: JAG1 (jagged canonical Notch ligand 1; minus strand). Cytogenetic location: 20p12.2.
Variant type: single nucleotide variant.
Coding change: c.575A>G on transcript NM_000214.3 (MANE Select); coding-DNA position 575, A replaced by G.
Protein change: p.Tyr192Cys; replaces tyrosine 192 with cysteine.
Molecular consequence: missense variant.
Genome position (GRCh38, 1-based): chr20:10,658,587, T>C on the plus strand (A>G on the coding strand, the complement: JAG1 is on the minus strand). VCF-style: chr20-10658587-T-C. GRCh37 (hg19) VCF-style: chr20-10639235-T-C.
Other names: short protein forms Y192C.
Identifiers: ClinVar variation 1023815 (VCV001023815.10), dbSNP rs2067393579, ClinGen allele CA408240208.
Genomic context (GRCh38, chr20:10,658,587, plus strand): 5'-CAGGCATAGTGTCCAAAGAAGTCATCTCTGGGGCGGCAGAACTTATTGCAGCCAAAGCCA[T>C]AGTAGTAGTCATCACAGGTCACGCGGATCTGATACTCAAAGTGGGCAACGCCCGTGTTCT-3'
Protein context (NP_000205.1, residues 182-202): QIRVTCDDYY[Tyr192Cys]GFGCNKFCRP